The following is an entry in ClinVar:

NM_145207.3(AFG2A):c.229T>G (p.Ser77Ala)

Gene: AFG2A (AFG2 AAA ATPase homolog A; plus strand). Cytogenetic location: 4q28.1.
Variant type: single nucleotide variant.
Coding change: c.229T>G on transcript NM_145207.3 (MANE Select); coding-DNA position 229, T replaced by G.
Protein change: p.Ser77Ala; replaces serine 77 with alanine.
Molecular consequence: missense variant.
Genome position (GRCh38, 1-based): chr4:122,927,699, T>G. VCF-style: chr4-122927699-T-G. GRCh37 (hg19) VCF-style: chr4-123848854-T-G.
Other names: c.226T>G, p.Ser76Ala (NM_001317799.2, NM_001345856.2); short protein forms S77A, S76A.
Identifiers: ClinVar variation 653350 (VCV000653350.4), dbSNP rs755797663, ClinGen allele CA3070163.
Genomic context (GRCh38, chr4:122,927,699, plus strand): 5'-GACAAAATTCCTAAAACATTCCAGAATTCCCTTATTCATCTTGGACTCAACACTATGAAG[T>G]CTGCAAATATATGTATAGGTCGACCAGTGTTGCTTACTAGTTTGAACGGAAAGCAAGAGG-3'
Protein context (NP_660208.2, residues 67-87): LIHLGLNTMK[Ser77Ala]ANICIGRPVL

ClinVar aggregate classification (germline): Uncertain significance. Review status: criteria provided, multiple submitters, no conflicts (2 of 4 stars). 2 submissions from 2 submitters: Uncertain significance (2). Last evaluated 2022-02-11.

Conditions:
Microcephaly-intellectual disability-sensorineural hearing loss-epilepsy-abnormal muscle tone syndrome (NEDHSB). Also called: NEURODEVELOPMENTAL DISORDER WITH HEARING LOSS, SEIZURES, AND BRAIN ABNORMALITIES. Identifiers: Orphanet 457351, MedGen C4225276, MONDO:0014698, OMIM 616577.

Allele frequency attached by ClinVar (database versions not stated): gnomAD 0.00001; gnomAD exomes 0.00001 and 0.00002; TOPMed 0.00001; ExAC 0.00002.
gnomAD v4.1: 11 of 1,613,130 alleles (0.00068%); highest among the groups gnomAD compares: Non-Finnish European, 0.00085%; no homozygotes.

Submissions (2):

Fulgent Genetics
Classification: Uncertain significance for Microcephaly-intellectual disability-sensorineural hearing loss-epilepsy-abnormal muscle tone syndrome. Last evaluated: 2022-02-11. Review status: criteria provided, single submitter. Criteria: ACMG Guidelines, 2015. Collection method: clinical testing. Allele origin: unknown.

Labcorp Genetics (formerly Invitae), Labcorp
Classification: Uncertain significance for Microcephaly-intellectual disability-sensorineural hearing loss-epilepsy-abnormal muscle tone syndrome. Last evaluated: 2022-02-03. Review status: criteria provided, single submitter. Criteria: Invitae Variant Classification Sherloc (09022015). Collection method: clinical testing. Allele origin: germline.
Comment: This sequence change replaces serine, which is neutral and polar, with alanine, which is neutral and non-polar, at codon 77 of the SPATA5 protein (p.Ser77Ala). This variant is present in population databases (rs755797663, gnomAD 0.003%). This variant has not been reported in the literature in individuals affected with SPATA5-related conditions. ClinVar contains an entry for this variant (Variation ID: 653350). Advanced modeling of protein sequence and biophysical properties (such as structural, functional, and spatial information, amino acid conservation, physicochemical variation, residue mobility, and thermodynamic stability) performed at Invitae indicates that this missense variant is not expected to disrupt SPATA5 protein function. In summary, the available evidence is currently insufficient to determine the role of this variant in disease. Therefore, it has been classified as a Variant of Uncertain Significance.